The following continues an entry in ClinVar:

NM_007294.4(BRCA1):c.115T>C (p.Cys39Arg)

Gene: BRCA1. ClinVar aggregate classification (germline): Pathogenic. Pathogenic (1).

Submissions 7 to 18 of 18:

Genetics and Molecular Pathology, SA Pathology
Classification: Pathogenic for Breast-ovarian cancer, familial, susceptibility to, 1. Last evaluated: 2020-01-02. Review status: criteria provided, single submitter. Criteria: ACMG Guidelines, 2015. Collection method: clinical testing. Allele origin: germline. Inheritance: Autosomal dominant inheritance. Affected: yes. Not counted in ClinVar's aggregate classification.
Comment: The BRCA1 c.115T>C variant is classified as Pathogenic (PS1, PS3, PM2, PP5) The BRCA1 c.115T>C variant is a single nucleotide change in the BRCA1 gene, which is predicted to change the amino acid cysteine at position 39 in the protein to arginine. This variant is absent from population databases (PM2). Well-established functional studies show a deleterious effect of this variant (PS3). Assay of Cys39 to Tyr and Arg indicate affect on double strand break repair and centrosome duplication. This variant results in the same amino acid change as a previously established variant (PS1). All changes from cysteine regarded as pathogenic - cysteine involved in disulphide bridge The variant has been reported in dbSNP (rs80357164) and in the HGMD database: CM040687. It has been reported as Pathogenic by other diagnostic laboratories (ClinVar Variation ID: 54152).

Human Genome Sequencing Center Clinical Lab, Baylor College of Medicine
Classification: Pathogenic for Familial breast-ovarian cancer 1. Last evaluated: 2019-02-01. Review status: criteria provided, single submitter. Criteria: ACMG Guidelines, 2015. Collection method: clinical testing. Allele origin: germline. Not counted in ClinVar's aggregate classification.
Comment: The c.115T>C (p.Cys39Arg) variant in the BRCA1 gene has been reported in multiple patients with hereditary breast and ovarian cancer (PMID 12827452, 18489799, 28993434). This variant is absent from large databases of genetic variation in the general population. Functional classification using saturation genome editing showed that this variant to be loss-of-function (PMID 30209399). Multiple lines of prediction algorithms support the deleterious effect of the variant. Loss of function variants in the BRCA1 gene have been associated with familial breast-ovarian cancer-1 (BROVCA1, MIM# 604370). Therefore, c.115T>C (p.Cys39Arg) variant in the BRCA1 gene is classified as pathogenic.

Quest Diagnostics Nichols Institute San Juan Capistrano
Classification: Pathogenic. Last evaluated: 2018-12-05. Review status: criteria provided, single submitter. Criteria: Quest Diagnostics criteria. Collection method: clinical testing. Allele origin: germline. Not counted in ClinVar's aggregate classification.
Comment: Statistically enriched in patients compared to ethnically matched controls. Not found in the total gnomAD dataset, and the data is high quality (0/282180 chr). Found in at least one symptomatic patient. Predicted to have a damaging effect on the protein. One other pathogenic or likely pathogenic variant affects the same amino acid. Assessment of experimental evidence suggests this variant results in abnormal protein function.

Genologica Medica
Classification: Pathogenic for Breast-ovarian cancer, familial, susceptibility to, 1. Last evaluated: 2017-01-01. Review status: criteria provided, single submitter. Criteria: ACMG Guidelines, 2015. Collection method: clinical testing. Allele origin: germline. Affected: yes. Not counted in ClinVar's aggregate classification.

Consortium of Investigators of Modifiers of BRCA1/2 (CIMBA), c/o University of Cambridge
Classification: Pathogenic for Breast-ovarian cancer, familial, susceptibility to, 1. Last evaluated: 2015-10-02. Review status: criteria provided, single submitter. Criteria: CIMBA Mutation Classification guidelines May 2016. Collection method: clinical testing. Allele origin: germline. Not counted in ClinVar's aggregate classification.

Molecular Oncology, Hospital Universitario Central de Asturias (HUCA)
Classification: Pathogenic for Breast-ovarian cancer, familial, susceptibility to, 1. Last evaluated: 2021-05-24. Review status: no assertion criteria provided. Collection method: case-control. Allele origin: germline. Affected: yes. Not counted in ClinVar's aggregate classification.

CZECANCA consortium
Classification: Pathogenic for Breast and/or ovarian cancer. Last evaluated: 2019-06-11. Review status: no assertion criteria provided. Collection method: clinical testing. Allele origin: germline. Affected: yes. Observed: 5 variant alleles. Not counted in ClinVar's aggregate classification.

Counsyl
Classification: Pathogenic for Breast-ovarian cancer, familial, susceptibility to, 1. Last evaluated: 2015-12-28. Review status: no assertion criteria provided. Collection method: clinical testing. Allele origin: unknown. Not counted in ClinVar's aggregate classification.

Research Molecular Genetics Laboratory, Women's College Hospital, University of Toronto
Classification: Pathogenic for Hereditary breast ovarian cancer syndrome. Last evaluated: 2014-01-31. Review status: no assertion criteria provided. Collection method: research. Allele origin: germline. Affected: yes. Study: The Canadian Open Genetics Repository (COGR). Not counted in ClinVar's aggregate classification.

Sharing Clinical Reports Project (SCRP)
Classification: Pathogenic for Breast-ovarian cancer, familial 1. Last evaluated: 2008-07-15. Review status: no assertion criteria provided. Collection method: clinical testing. Allele origin: germline. Not counted in ClinVar's aggregate classification.

Breast Cancer Information Core (BIC) (BRCA1)
Classification: Uncertain significance for Breast-ovarian cancer, familial 1. Last evaluated: 2002-05-29. Review status: no assertion criteria provided. Collection method: clinical testing. Allele origin: germline. Affected: yes. Observed: 8 variant alleles. Not counted in ClinVar's aggregate classification.

Brotman Baty Institute, University of Washington
No classification provided (evidence only). Condition: Breast-ovarian cancer, familial 1. Review status: no classification provided. Collection method: in vitro. Allele origin: not applicable. Functional consequence: functionally_abnormal. Not counted in ClinVar's aggregate classification.
ClinVar note: "not provided" was previously submitted as the classification for the variant. However, the classification appeared to be based only on an observation of functional data so it was converted to no classification on 2025-07-30.

Literature cited by the submitters: PubMed 21990134 (cited by 4 submitters); PubMed 12827452 (cited by 5 submitters); PubMed 15235020 (cited by Ambry Genetics and Quest Diagnostics Nichols Institute San Juan Capistrano); PubMed 16403807 (cited by 5 submitters); PubMed 18489799 (cited by 6 submitters); PubMed 19543972 (cited by 4 submitters); PubMed 21203900 (cited by 4 submitters); PubMed 24489791 (cited by Ambry Genetics and Labcorp Genetics (formerly Invitae), Labcorp); PubMed 25823446 (cited by 4 submitters); PubMed 27272900 (cited by Ambry Genetics); PubMed 30209399 (cited by 3 submitters); PubMed 15024741 (cited by 4 submitters); PubMed 26822949 (cited by Labcorp Genetics (formerly Invitae), Labcorp); PubMed 12732733 (cited by Labcorp Genetics (formerly Invitae), Labcorp); PubMed 22843421 (cited by Labcorp Genetics (formerly Invitae), Labcorp); PubMed 9808526 (cited by Labcorp Genetics (formerly Invitae), Labcorp and Sema4); PubMed 11320250 (cited by Labcorp Genetics (formerly Invitae), Labcorp); PubMed 17262179 (cited by Labcorp Genetics (formerly Invitae), Labcorp); PubMed 18500671 (cited by Labcorp Genetics (formerly Invitae), Labcorp); PubMed 19504351 (cited by Labcorp Genetics (formerly Invitae), Labcorp); PubMed 23683081 (cited by Labcorp Genetics (formerly Invitae), Labcorp); PubMed 17319787 (cited by All of Us Research Program, National Institutes of Health); PubMed 26757417 (cited by All of Us Research Program, National Institutes of Health); PubMed 30219179 (cited by All of Us Research Program, National Institutes of Health); PubMed 30287823 (cited by All of Us Research Program, National Institutes of Health and Quest Diagnostics Nichols Institute San Juan Capistrano); PubMed 37168384 (cited by All of Us Research Program, National Institutes of Health); PubMed 28993434 (cited by Sema4); PubMed 22923021 (cited by Sema4); PubMed 21232165 (cited by Sema4); PubMed 22752604 (cited by Sema4); PubMed 30040829 (cited by Quest Diagnostics Nichols Institute San Juan Capistrano); PubMed 11573085 (cited by Quest Diagnostics Nichols Institute San Juan Capistrano); PubMed 29446198 (cited by Quest Diagnostics Nichols Institute San Juan Capistrano); PubMed 29021639 (cited by Quest Diagnostics Nichols Institute San Juan Capistrano); PubMed 38922859 (cited by Molecular Oncology, Hospital Universitario Central de Asturias (HUCA)); PubMed 32295079 (cited by CZECANCA consortium).